The following is an entry in ClinVar:

ClinVar aggregate classification (germline): Pathogenic (1 of 4 stars; one submission).

Submission:

Labcorp Genetics (formerly Invitae), Labcorp
Classification: Pathogenic. Last evaluated: 2024-03-06. Review status: criteria provided, single submitter. Criteria: Invitae Variant Classification Sherloc (09022015). Collection method: clinical testing. Allele origin: germline.
Comment: This sequence change creates a premature translational stop signal (p.Tyr191*) in the ABCA12 gene. It is expected to result in an absent or disrupted protein product. Loss-of-function variants in ABCA12 are known to be pathogenic (PMID: 20672373). This variant is not present in population databases (gnomAD no frequency). This variant has not been reported in the literature in individuals affected with ABCA12-related conditions. For these reasons, this variant has been classified as Pathogenic.

Literature cited by the submitters: PubMed 20672373.

NM_173076.3(ABCA12):c.573C>A (p.Tyr191Ter)

Gene: ABCA12 (ATP binding cassette subfamily A member 12; minus strand). Cytogenetic location: 2q35.
Variant type: single nucleotide variant.
Coding change: c.573C>A on transcript NM_173076.3 (MANE Select); coding-DNA position 573, C replaced by A.
Protein change: p.Tyr191Ter; replaces tyrosine 191 with a stop codon.
Molecular consequence: nonsense. On other transcripts: non-coding transcript variant (1).
Genome position (GRCh38, 1-based): chr2:215,049,746, G>T on the plus strand (C>A on the coding strand, the complement: ABCA12 is on the minus strand). VCF-style: chr2-215049746-G-T. GRCh37 (hg19) VCF-style: chr2-215914470-G-T.
Other names: short protein forms Y191*.
Identifiers: ClinVar variation 3671297 (VCV003671297.2).